The following is an entry in ClinVar:

ClinVar aggregate classification (germline): Conflicting classifications of pathogenicity. Review status: criteria provided, conflicting classifications (1 of 4 stars). 12 submissions from 11 submitters: Uncertain significance (10); Likely benign (2). Last evaluated 2025-10-13.

Conditions:
Inborn genetic diseases. Identifiers: MedGen C0950123, MeSH D030342.
Mitochondrial complex I deficiency, nuclear type 5. Also called: Mitochondrial complex 1 deficiency, nuclear type 5. Identifiers: MedGen C4748754, MONDO:0032610, OMIM 618226.
Mitochondrial complex I deficiency, nuclear type 1. Also called: NADH-COENZYME Q REDUCTASE DEFICIENCY; MITOCHONDRIAL NADH DEHYDROGENASE COMPONENT OF COMPLEX I, DEFICIENCY OF. Identifiers: MedGen C6022305, MONDO:0100224, OMIM 252010.
Leigh syndrome (NULS). Also called: Leigh Syndrome (mtDNA deletion); LEIGH SYNDROME, NUCLEAR; Leigh's necrotizing encephalopathy; Leigh's disease; Leigh's syndrome; Leigh Disease. Identifiers: Orphanet 506, MedGen C2931891, MONDO:0009723, OMIM 256000.

Allele frequency attached by ClinVar (database versions not stated): gnomAD 0.00029 and 0.00034; 1000 Genomes Project 30x 0.00031; ESP Exome Variant Server 0.00031; gnomAD exomes 0.00033 and 0.00036; TOPMed 0.00033; 1000 Genomes Project 0.00040; ExAC 0.00042.

Submissions (12):

Labcorp Genetics (formerly Invitae), Labcorp
Classification: Likely benign. Last evaluated: 2025-10-13. Review status: criteria provided, single submitter. Criteria: Invitae Variant Classification Sherloc (09022015). Collection method: clinical testing. Allele origin: germline.

GeneDx
Classification: Uncertain significance. Last evaluated: 2025-09-05. Review status: criteria provided, single submitter. Criteria: GeneDx Variant Classification Process June 2021. Collection method: clinical testing. Allele origin: germline.
Comment: In silico analysis suggests that this missense variant does not alter protein structure/function; Has not been previously published as pathogenic or benign to our knowledge

Blueprint Genetics
Classification: Uncertain significance. Last evaluated: 2024-10-16. Review status: criteria provided, single submitter. Criteria: ACMG Guidelines, 2015. Collection method: clinical testing. Allele origin: germline.

Ambry Genetics
Classification: Uncertain significance for Inborn genetic diseases. Last evaluated: 2024-07-08. Review status: criteria provided, single submitter. Criteria: Ambry Variant Classification Scheme 2023. Collection method: clinical testing. Allele origin: germline.

Mayo Clinic Laboratories, Mayo Clinic
Classification: Uncertain significance. Last evaluated: 2023-05-16. Review status: criteria provided, single submitter. Criteria: ACMG Guidelines, 2015. Collection method: clinical testing. Allele origin: germline. Observed: 1 variant allele.

Baylor Genetics
Classification: Uncertain significance for Mitochondrial complex I deficiency, nuclear type 5. Last evaluated: 2023-03-27. Review status: criteria provided, single submitter. Criteria: ACMG Guidelines, 2015. Collection method: clinical testing. Allele origin: unknown.

CeGaT Center for Human Genetics Tuebingen
Classification: Likely benign. Last evaluated: 2023-02-01. Review status: criteria provided, single submitter. Criteria: CeGaT Center For Human Genetics Tuebingen Variant Classification Criteria Version 2. Collection method: clinical testing. Allele origin: germline. Affected: yes. Observed: 1 variant allele.
Comment: NDUFS1: BP4

Department of Pathology and Laboratory Medicine, Sinai Health System
Classification: Uncertain significance for Mitochondrial complex I deficiency, nuclear type 5. Last evaluated: 2022-04-27. Review status: criteria provided, single submitter. Criteria: ACMG Guidelines, 2015. Collection method: research. Allele origin: germline.

Breda Genetics srl
Classification: Uncertain significance for Mitochondrial complex I deficiency, nuclear type 5. Last evaluated: 2021-06-23. Review status: criteria provided, single submitter. Criteria: ACMG Guidelines, 2015. Collection method: clinical testing. Allele origin: germline. Inheritance: Autosomal recessive inheritance. Affected: yes. Observed: 1 variant allele, 1 heterozygote.
Comment: Based on allele frequency, in-silico prediction scores and a certain overlap with the clinical phenotype, we interpreted this variant at least as of uncertain significance. The lack of one or more of the following features has discouraged further investigations: lack of a possible second hit in autosomal recessive conditions, presence of healthy controls in databases for autosomal dominant conditions, presence of unmatching cardinal clinical features in the patient or in the known gene-disease association, and/or variant type outside the known gene mutational spectrum.

Laboratorio de Genetica e Diagnostico Molecular, Hospital Israelita Albert Einstein
Classification: Uncertain significance. Last evaluated: 2019-06-28. Review status: criteria provided, single submitter. Criteria: ACMG Guidelines, 2015. Collection method: clinical testing. Allele origin: germline. Affected: yes.
Comment: ACMG classification criteria: PP3

Illumina Laboratory Services, Illumina
Classification: Uncertain significance for Mitochondrial complex I deficiency, nuclear type 1. Last evaluated: 2018-01-12. Review status: criteria provided, single submitter. Criteria: ICSL Variant Classification Criteria 13 December 2019. Collection method: clinical testing. Allele origin: germline.

Illumina Laboratory Services, Illumina
Classification: Uncertain significance for Leigh syndrome. Last evaluated: 2018-01-12. Review status: criteria provided, single submitter. Criteria: ICSL Variant Classification Criteria 13 December 2019. Collection method: clinical testing. Allele origin: germline.

NM_005006.7(NDUFS1):c.1516G>A (p.Val506Ile)

Gene: NDUFS1 (NADH:ubiquinone oxidoreductase core subunit S1; minus strand). Cytogenetic location: 2q33.3.
Variant type: single nucleotide variant.
Coding change: c.1516G>A on transcript NM_005006.7 (MANE Select); coding-DNA position 1516, G replaced by A.
Protein change: p.Val506Ile; replaces valine 506 with isoleucine.
Molecular consequence: missense variant.
Genome position (GRCh38, 1-based): chr2:206,132,982, C>T on the plus strand (G>A on the coding strand, the complement: NDUFS1 is on the minus strand). VCF-style: chr2-206132982-C-T. GRCh37 (hg19) VCF-style: chr2-206997706-C-T.
Other names: p.Val506Ile; c.1408G>A, p.Val470Ile (NM_001199981.2); c.1183G>A, p.Val395Ile (NM_001199982.2); c.1345G>A, p.Val449Ile (NM_001199983.2); c.1558G>A, p.Val520Ile (NM_001199984.2); c.1516G>A (NM_005006.5); short protein forms V506I, V395I, V520I, V470I, V449I.
Identifiers: ClinVar variation 333781 (VCV000333781.46), dbSNP rs137889316, ClinGen allele CA2070426.